The following is an entry in ClinVar:

ClinVar aggregate classification (germline): Uncertain significance (1 of 4 stars; one submission).

Conditions:
Macrocephaly-developmental delay syndrome (MRT41). Also called: INTELLECTUAL DEVELOPMENTAL DISORDER, AUTOSOMAL RECESSIVE 41. Identifiers: Orphanet 397612, MedGen C3810225, MONDO:0014289, OMIM 615637.

Allele frequency attached by ClinVar (database versions not stated): gnomAD exomes 0.00003; ExAC 0.00005; gnomAD 0.00005; TOPMed 0.00008.

Submission:

Labcorp Genetics (formerly Invitae), Labcorp
Classification: Uncertain significance for Macrocephaly-developmental delay syndrome. Last evaluated: 2022-03-11. Review status: criteria provided, single submitter. Criteria: Invitae Variant Classification Sherloc (09022015). Collection method: clinical testing. Allele origin: germline.
Comment: Algorithms developed to predict the effect of sequence changes on RNA splicing suggest that this variant may disrupt the consensus splice site. This variant has not been reported in the literature in individuals affected with KPTN-related conditions. This variant is present in population databases (rs766715658, gnomAD 0.05%). This sequence change falls in intron 4 of the KPTN gene. It does not directly change the encoded amino acid sequence of the KPTN protein. In summary, the available evidence is currently insufficient to determine the role of this variant in disease. Therefore, it has been classified as a Variant of Uncertain Significance.

NM_007059.4(KPTN):c.449+20C>T

Gene: KPTN (kaptin, actin binding protein; minus strand). Cytogenetic location: 19q13.32.
Variant type: single nucleotide variant.
Coding change: c.449+20C>T on transcript NM_007059.4 (MANE Select); 20 bases into the intron after coding-DNA position 449, C replaced by T.
Molecular consequence: intron variant. On other transcripts: non-coding transcript variant (1).
Genome position (GRCh38, 1-based): chr19:47,483,141, G>A on the plus strand (C>T on the coding strand, the complement: KPTN is on the minus strand). VCF-style: chr19-47483141-G-A. GRCh37 (hg19) VCF-style: chr19-47986398-G-A.
Other names: c.281+20C>T (NM_001291296.2).
Identifiers: ClinVar variation 2057478 (VCV002057478.4), dbSNP rs766715658, ClinGen allele CA9540446.